The following is an entry in ClinVar:

NM_152683.4(PRIMPOL):c.1328A>G (p.Tyr443Cys)

Gene: PRIMPOL (primase and DNA directed polymerase; plus strand). Cytogenetic location: 4q35.1.
Variant type: single nucleotide variant.
Coding change: c.1328A>G on transcript NM_152683.4 (MANE Select); coding-DNA position 1328, A replaced by G.
Protein change: p.Tyr443Cys; replaces tyrosine 443 with cysteine.
Molecular consequence: missense variant. On other transcripts: non-coding transcript variant (3).
Genome position (GRCh38, 1-based): chr4:184,691,531, A>G. VCF-style: chr4-184691531-A-G. GRCh37 (hg19) VCF-style: chr4-185612685-A-G.
Other names: c.941A>G, p.Tyr314Cys (NM_001300767.2); c.1325A>G, p.Tyr442Cys (NM_001300768.2, NM_001345896.2); c.1367A>G, p.Tyr456Cys (NM_001345891.2); c.1364A>G, p.Tyr455Cys (NM_001345892.2, NM_001345893.2); c.671A>G, p.Tyr224Cys (NM_001345894.2); c.1328A>G, p.Tyr443Cys (NM_001345895.2); c.632A>G, p.Tyr211Cys (NM_001345897.2, NM_001345901.2); c.629A>G, p.Tyr210Cys (NM_001345898.2); and 2 more; short protein forms Y210C, Y211C, Y224C, Y268C, Y314C, Y359C, Y442C, Y443C.
Identifiers: ClinVar variation 2627010 (VCV002627010.1), dbSNP rs1383820615, ClinGen allele CA358888580.
Genomic context (GRCh38, chr4:184,691,531, plus strand): 5'-TACTTTTTTTTTTTTTTTAAACATAAAGGATTCTGGTTGATCTGAAAAATGAAGTTTGGT[A>G]TCAAAAATGTCATGACCCTGTATGTAAAGCAGAAAACTTCAAATCTGACTGTAAGTTACT-3'
Protein context (NP_689896.1, residues 433-453): ILVDLKNEVW[Tyr443Cys]QKCHDPVCKA

ClinVar aggregate classification (germline): Uncertain significance (1 of 4 stars; one submission).

Allele frequency attached by ClinVar (database versions not stated): gnomAD exomes below 0.00001.
gnomAD v4.1: 5 of 1,605,102 alleles (0.00031%); highest among the groups gnomAD compares: South Asian, 0.0011%; no homozygotes.

Submission:

Greenwood Genetic Center Diagnostic Laboratories, Greenwood Genetic Center
Classification: Uncertain significance. Last evaluated: 2023-07-28. Review status: criteria provided, single submitter. Criteria: ACMG Guidelines, 2015. Collection method: clinical testing. Allele origin: germline. Affected: yes.
Comment: PM2